The following is an entry in ClinVar:

ClinVar aggregate classification (germline): Uncertain significance (1 of 4 stars; one submission).

Allele frequency attached by ClinVar (database versions not stated): TOPMed below 0.00001; gnomAD 0.00001.

Submission:

Labcorp Genetics (formerly Invitae), Labcorp
Classification: Uncertain significance. Last evaluated: 2024-08-18. Review status: criteria provided, single submitter. Criteria: Invitae Variant Classification Sherloc (09022015). Collection method: clinical testing. Allele origin: germline.
Comment: This sequence change replaces proline, which is neutral and non-polar, with alanine, which is neutral and non-polar, at codon 33 of the MGP protein (p.Pro33Ala). This variant is not present in population databases (gnomAD no frequency). This variant has not been reported in the literature in individuals affected with MGP-related conditions. ClinVar contains an entry for this variant (Variation ID: 1380649). An algorithm developed to predict the effect of missense changes on protein structure and function (PolyPhen-2) suggests that this variant is likely to be disruptive. In summary, the available evidence is currently insufficient to determine the role of this variant in disease. Therefore, it has been classified as a Variant of Uncertain Significance.

NM_000900.5(MGP):c.97C>G (p.Pro33Ala)

Gene: MGP (matrix Gla protein; minus strand). Cytogenetic location: 12p12.3.
Variant type: single nucleotide variant.
Coding change: c.97C>G on transcript NM_000900.5 (MANE Select); coding-DNA position 97, C replaced by G.
Protein change: p.Pro33Ala; replaces proline 33 with alanine.
Molecular consequence: missense variant.
Genome position (GRCh38, 1-based): chr12:14,883,045, G>C on the plus strand (C>G on the coding strand, the complement: MGP is on the minus strand). VCF-style: chr12-14883045-G-C. GRCh37 (hg19) VCF-style: chr12-15035979-G-C.
Other names: c.172C>G, p.Pro58Ala (NM_001190839.3); short protein forms P33A, P58A.
Identifiers: ClinVar variation 1380649 (VCV001380649.8), dbSNP rs1863399284, ClinGen allele CA384020102.
Genomic context (GRCh38, chr12:14,883,045, plus strand): 5'-TAGCTCTCCATCTCTGCTGAGGGGATATGAAGGTATTTGCATTTCTCCTGTTAATGAAGG[G>C]ATCTTAGAACAGAAAATAAATAAATGCAGTTTTAGCGACACATAGCTGGAAATATTTCCG-3'
Protein context (NP_000891.2, residues 23-43): HESMESYELN[Pro33Ala]FINRRNANTF